The following is an entry in ClinVar:

ClinVar aggregate classification (germline): Uncertain significance (1 of 4 stars; one submission).

Conditions:
Hereditary cancer-predisposing syndrome. Also called: Tumor predisposition; Hereditary Cancer Syndrome; Hereditary neoplastic syndrome; Neoplastic Syndromes, Hereditary. Identifiers: Orphanet 140162, MedGen C0027672, MeSH D009386, MONDO:0015356.

Submission:

Labcorp Genetics (formerly Invitae), Labcorp
Classification: Uncertain significance for Hereditary cancer-predisposing syndrome. Last evaluated: 2021-04-21. Review status: criteria provided, single submitter. Criteria: Invitae Variant Classification Sherloc (09022015). Collection method: clinical testing. Allele origin: germline.
Comment: This sequence change replaces lysine with asparagine at codon 295 of the RAD50 protein (p.Lys295Asn). The lysine residue is moderately conserved and there is a moderate physicochemical difference between lysine and asparagine. This variant also falls at the last nucleotide of exon 6, which is part of the consensus splice site for this exon. This variant is not present in population databases (ExAC no frequency). This variant has not been reported in the literature in individuals with RAD50-related conditions. In summary, the available evidence is currently insufficient to determine the role of this variant in disease. Therefore, it has been classified as a Variant of Uncertain Significance. Algorithms developed to predict the effect of missense changes on protein structure and function are either unavailable or do not agree on the potential impact of this missense change (SIFT: "Deleterious"; PolyPhen-2: "Benign"; Align-GVGD: "Class C0"). Nucleotide substitutions within the consensus splice site are a relatively common cause of aberrant splicing (PMID: 17576681, 9536098). Algorithms developed to predict the effect of sequence changes on RNA splicing suggest that this variant may disrupt the consensus splice site, but this prediction has not been confirmed by published transcriptional studies.

Literature cited by the submitters: PubMed 17576681; PubMed 9536098.

NM_005732.4(RAD50):c.885G>T (p.Lys295Asn)

Gene: RAD50 (RAD50 double strand break repair protein; plus strand). Cytogenetic location: 5q31.1.
Variant type: single nucleotide variant.
Coding change: c.885G>T on transcript NM_005732.4 (MANE Select); coding-DNA position 885, G replaced by T.
Protein change: p.Lys295Asn; replaces lysine 295 with asparagine.
Molecular consequence: missense variant.
Genome position (GRCh38, 1-based): chr5:132,587,690, G>T. VCF-style: chr5-132587690-G-T. GRCh37 (hg19) VCF-style: chr5-131923382-G-T.
Other names: short protein forms K295N.
Identifiers: ClinVar variation 1469053 (VCV001469053.8), dbSNP rs2149840483, ClinGen allele CA360940651.